The following is an entry in ClinVar:

ClinVar aggregate classification (germline): Pathogenic. Review status: reviewed by expert panel (3 of 4 stars). 4 submissions from 4 submitters: Pathogenic (1). 3 of the submissions do not count toward it. Last evaluated 2016-09-08.

Conditions:
Hereditary cancer-predisposing syndrome. Also called: Hereditary Cancer Syndrome; Neoplastic Syndromes, Hereditary; Tumor predisposition; Hereditary neoplastic syndrome. Identifiers: Orphanet 140162, MedGen C0027672, MeSH D009386, MONDO:0015356.
Breast-ovarian cancer, familial, susceptibility to, 2 (BROVCA2). Also called: BRCA2 Hereditary Breast and Ovarian Cancer. Identifiers: Orphanet 145, MedGen C2675520, MONDO:0012933, OMIM 612555. Disease mechanism: loss of function.
Hereditary breast ovarian cancer syndrome. Also called: Hereditary breast and/or ovarian cancer syndrome; BRCA1- and BRCA2-Associated Hereditary Breast and Ovarian Cancer; Hereditary breast and ovarian cancer syndrome (HBOC); Hereditary breast and ovarian cancer; Hereditary breast and ovarian cancer syndrome; Breast and ovarian cancer. Identifiers: Orphanet 145, MedGen C0677776, MeSH D061325, MONDO:0003582. Disease mechanism: loss of function.

Allele frequency attached by ClinVar (database versions not stated): gnomAD exomes below 0.00001 and 0.00001; ExAC 0.00001.

Submissions (4):

Evidence-based Network for the Interpretation of Germline Mutant Alleles (ENIGMA)
Classification: Pathogenic for Breast-ovarian cancer, familial, susceptibility to, 2. Last evaluated: 2016-09-08. Review status: reviewed by expert panel. Criteria: ENIGMA BRCA1/2 Classification Criteria (2015). Collection method: curation. Allele origin: germline.
Comment: Variant allele predicted to encode a truncated non-functional protein.

Color Diagnostics, LLC DBA Color Health
Classification: Pathogenic for Hereditary cancer-predisposing syndrome. Last evaluated: 2025-06-10. Review status: criteria provided, single submitter. Criteria: ACMG Guidelines, 2015. Collection method: clinical testing. Allele origin: germline. Not counted in ClinVar's aggregate classification.
Comment: This variant deletes 1 nucleotide in exon 11 of the BRCA2 gene, creating a frameshift and premature translation stop signal. This variant is expected to result in an absent or non-functional protein product. This variant has been reported in an individual affected with breast cancer (PMID: 38355628). This variant has been identified in 1/242598 chromosomes in the general population by the Genome Aggregation Database (gnomAD). Loss of BRCA2 function is a known mechanism of disease. Based on the available evidence, this variant is classified as Pathogenic.

Labcorp Genetics (formerly Invitae), Labcorp
Classification: Pathogenic for Hereditary breast ovarian cancer syndrome. Last evaluated: 2019-01-05. Review status: criteria provided, single submitter. Criteria: Invitae Variant Classification Sherloc (09022015). Collection method: clinical testing. Allele origin: germline. Not counted in ClinVar's aggregate classification.
Comment: For these reasons, this variant has been classified as Pathogenic. Loss-of-function variants in BRCA2 are known to be pathogenic (PMID: 20104584). This variant has been reported in individuals in the Leiden Open-source Variation Database (PMID: 21520333). ClinVar contains an entry for this variant (Variation ID: 232359). This variant is present in population databases (rs767234936, ExAC 0.006%). This sequence change creates a premature translational stop signal (p.Glu1415Aspfs*4) in the BRCA2 gene. It is expected to result in an absent or disrupted protein product.

Ambry Genetics
Classification: Pathogenic for Hereditary cancer-predisposing syndrome. Last evaluated: 2015-06-18. Review status: criteria provided, single submitter. Criteria: Ambry Variant Classification Scheme 2023. Collection method: clinical testing. Allele origin: germline. Not counted in ClinVar's aggregate classification.
Comment: The c.4245delG pathogenic mutation (also known as 4473delG), located in coding exon 10 of the BRCA2 gene, results from a deletion of one nucleotide at position 4245, causing a translational frameshift with a predicted alternate stop codon. Since frameshifts are typically deleterious in nature, this alteration is interpreted as a disease-causing mutation (ACMG Recommendations for Standards for Interpretation and Reporting of Sequence Variations. Revision 2007. Genet Med. 2008;10:294).

Literature cited by the submitters: PubMed 38355628 (cited by Color Diagnostics, LLC DBA Color Health); PubMed 20104584 (cited by Labcorp Genetics (formerly Invitae), Labcorp); PubMed 21520333 (cited by Labcorp Genetics (formerly Invitae), Labcorp).

NM_000059.4(BRCA2):c.4245del (p.Glu1415fs)

Gene: BRCA2 (BRCA2 DNA repair associated; plus strand). Cytogenetic location: 13q13.1.
Variant type: Deletion.
Coding change: c.4245del on transcript NM_000059.4 (MANE Select); coding-DNA position 4245, one base deleted (G; older notation c.4245delG).
Protein change: p.Glu1415fs; shifts the reading frame from glutamic acid 1415.
Molecular consequence: frameshift variant.
Genome position (GRCh38, 1-based): chr13:32,338,600, G deleted. VCF-style (leftmost placement, unchanged base first): chr13-32338599-AG-A. GRCh37 (hg19) VCF-style: chr13-32912736-AG-A.
Other names: c.4245delG (NM_000059.3); short protein forms E1415fs.
Identifiers: ClinVar variation 232359 (VCV000232359.17), dbSNP rs767234936, ClinGen allele CA6940762.